The following is an entry in ClinVar:

NM_000520.6(HEXA):c.367G>A (p.Asp123Asn)

Gene: HEXA (hexosaminidase subunit alpha; minus strand). Cytogenetic location: 15q23.
Variant type: single nucleotide variant.
Coding change: c.367G>A on transcript NM_000520.6 (MANE Select); coding-DNA position 367, G replaced by A.
Protein change: p.Asp123Asn; replaces aspartic acid 123 with asparagine.
Molecular consequence: missense variant. On other transcripts: non-coding transcript variant (1).
Genome position (GRCh38, 1-based): chr15:72,355,604, C>T on the plus strand (G>A on the coding strand, the complement: HEXA is on the minus strand). VCF-style: chr15-72355604-C-T. GRCh37 (hg19) VCF-style: chr15-72647945-C-T.
Other names: c.400G>A, p.Asp134Asn (NM_001318825.2); short protein forms D123N, D134N.
Identifiers: ClinVar variation 1973885 (VCV001973885.2), dbSNP rs768750119, ClinGen allele CA7645020.

ClinVar aggregate classification (germline): Uncertain significance (1 of 4 stars; one submission).

Conditions:
Tay-Sachs disease (TSD). Also called: HEXA Disorders; HEXA DEFICIENCY; GM2 gangliosidosis, type 1; Hexosaminidase alpha-subunit deficiency (variant B); Sphingolipidosis, Tay-Sachs; Hexosaminidase A Deficiency. Identifiers: Orphanet 845, MedGen C0039373, MONDO:0010100, OMIM 272800.

Allele frequency attached by ClinVar (database versions not stated): ExAC 0.00002; gnomAD 0.00003; TOPMed 0.00006.

Submission:

Labcorp Genetics (formerly Invitae), Labcorp
Classification: Uncertain significance for Tay-Sachs disease. Last evaluated: 2022-08-16. Review status: criteria provided, single submitter. Criteria: Invitae Variant Classification Sherloc (09022015). Collection method: clinical testing. Allele origin: germline.
Comment: This sequence change replaces aspartic acid, which is acidic and polar, with asparagine, which is neutral and polar, at codon 123 of the HEXA protein (p.Asp123Asn). This variant is present in population databases (rs768750119, gnomAD 0.02%). This variant has not been reported in the literature in individuals affected with HEXA-related conditions. Algorithms developed to predict the effect of missense changes on protein structure and function (SIFT, PolyPhen-2, Align-GVGD) all suggest that this variant is likely to be tolerated. In summary, the available evidence is currently insufficient to determine the role of this variant in disease. Therefore, it has been classified as a Variant of Uncertain Significance.